The following is an entry in ClinVar:

ClinVar aggregate classification (germline): Uncertain significance (1 of 4 stars; one submission).

Allele frequency attached by ClinVar (database versions not stated): gnomAD exomes 0.00001; TOPMed 0.00001; gnomAD 0.00002.
gnomAD v4.1: 15 of 1,613,636 alleles (0.00093%); highest among the groups gnomAD compares: Non-Finnish European, 0.0012%; no homozygotes.

Submission:

Labcorp Genetics (formerly Invitae), Labcorp
Classification: Uncertain significance. Last evaluated: 2023-01-10. Review status: criteria provided, single submitter. Criteria: Invitae Variant Classification Sherloc (09022015). Collection method: clinical testing. Allele origin: germline.
Comment: In summary, the available evidence is currently insufficient to determine the role of this variant in disease. Therefore, it has been classified as a Variant of Uncertain Significance. Variants that disrupt the consensus splice site are a relatively common cause of aberrant splicing (PMID: 17576681, 9536098). Algorithms developed to predict the effect of sequence changes on RNA splicing suggest that this variant is not likely to affect RNA splicing. This variant has not been reported in the literature in individuals affected with NOTCH3-related conditions. This variant is not present in population databases (gnomAD no frequency). This sequence change falls in intron 5 of the NOTCH3 gene. It does not directly change the encoded amino acid sequence of the NOTCH3 protein. It affects a nucleotide within the consensus splice site.

Literature cited by the submitters: PubMed 17576681; PubMed 9536098.

NM_000435.3(NOTCH3):c.802+6C>G

Gene: NOTCH3 (notch receptor 3; minus strand). Cytogenetic location: 19p13.12.
Variant type: single nucleotide variant.
Coding change: c.802+6C>G on transcript NM_000435.3 (MANE Select); 6 bases into the intron after coding-DNA position 802, C replaced by G.
Molecular consequence: intron variant.
Genome position (GRCh38, 1-based): chr19:15,191,739, G>C on the plus strand (C>G on the coding strand, the complement: NOTCH3 is on the minus strand). VCF-style: chr19-15191739-G-C. GRCh37 (hg19) VCF-style: chr19-15302550-G-C.
Identifiers: ClinVar variation 2977976 (VCV002977976.3), dbSNP rs2046928380, ClinGen allele CA993898900.